The following is an entry in ClinVar:

NM_001127198.5(TMC6):c.893G>A (p.Gly298Asp)

Gene: TMC6 (transmembrane channel like 6; minus strand). Cytogenetic location: 17q25.3.
Variant type: single nucleotide variant.
Coding change: c.893G>A on transcript NM_001127198.5 (MANE Select); coding-DNA position 893, G replaced by A.
Protein change: p.Gly298Asp; replaces glycine 298 with aspartic acid.
Molecular consequence: missense variant.
Genome position (GRCh38, 1-based): chr17:78,124,178, C>T on the plus strand (G>A on the coding strand, the complement: TMC6 is on the minus strand). VCF-style: chr17-78124178-C-T. GRCh37 (hg19) VCF-style: chr17-76120259-C-T.
Other names: c.893G>A, p.Gly298Asp (NM_001321185.1, NM_001374593.1, NM_001374594.1 and 4 more transcripts); c.893G>A (NM_007267.6); short protein forms G298D.
Identifiers: ClinVar variation 835194 (VCV000835194.10), dbSNP rs776245103, ClinGen allele CA8795947.

ClinVar aggregate classification (germline): Uncertain significance. Review status: criteria provided, multiple submitters, no conflicts (2 of 4 stars). 3 submissions from 3 submitters: Uncertain significance (3). Last evaluated 2025-04-28.

Conditions:
Epidermodysplasia verruciformis. Identifiers: Orphanet 302, MedGen C0014522, MONDO:0009176.
Inborn genetic diseases. Identifiers: MedGen C0950123, MeSH D030342.

Allele frequency attached by ClinVar (database versions not stated): gnomAD 0.00001; TOPMed 0.00001; gnomAD exomes 0.00002; ExAC 0.00003.

Submissions (3):

Ambry Genetics
Classification: Uncertain significance for Inborn genetic diseases. Last evaluated: 2025-04-28. Review status: criteria provided, single submitter. Criteria: Ambry Variant Classification Scheme 2023. Collection method: clinical testing. Allele origin: germline.

Blueprint Genetics
Classification: Uncertain significance. Last evaluated: 2022-12-01. Review status: criteria provided, single submitter. Criteria: ACMG Guidelines, 2015. Collection method: clinical testing. Allele origin: germline.

Labcorp Genetics (formerly Invitae), Labcorp
Classification: Uncertain significance for Epidermodysplasia verruciformis. Last evaluated: 2022-08-16. Review status: criteria provided, single submitter. Criteria: Invitae Variant Classification Sherloc (09022015). Collection method: clinical testing. Allele origin: germline.
Comment: In summary, the available evidence is currently insufficient to determine the role of this variant in disease. Therefore, it has been classified as a Variant of Uncertain Significance. Algorithms developed to predict the effect of missense changes on protein structure and function are either unavailable or do not agree on the potential impact of this missense change (SIFT: "Not Available"; PolyPhen-2: "Probably Damaging"; Align-GVGD: "Not Available"). ClinVar contains an entry for this variant (Variation ID: 835194). This variant has not been reported in the literature in individuals affected with TMC6-related conditions. This variant is present in population databases (rs776245103, gnomAD 0.02%). This sequence change replaces glycine, which is neutral and non-polar, with aspartic acid, which is acidic and polar, at codon 298 of the TMC6 protein (p.Gly298Asp).